The following is an entry in ClinVar:

NM_000458.4(HNF1B):c.395A>G (p.His132Arg)

Gene: HNF1B (HNF1 homeobox B; minus strand). Cytogenetic location: 17q12.
Variant type: single nucleotide variant.
Coding change: c.395A>G on transcript NM_000458.4 (MANE Select); coding-DNA position 395, A replaced by G.
Protein change: p.His132Arg; replaces histidine 132 with arginine.
Molecular consequence: missense variant.
Genome position (GRCh38, 1-based): chr17:37,739,589, T>C on the plus strand (A>G on the coding strand, the complement: HNF1B is on the minus strand). VCF-style: chr17-37739589-T-C. GRCh37 (hg19) VCF-style: chr17-36099580-T-C.
Other names: c.395A>G, p.His132Arg (NM_001165923.4, NM_001304286.2, NM_001411100.1); short protein forms H132R.
Identifiers: ClinVar variation 2442178 (VCV002442178.3), dbSNP rs2511829635, ClinGen allele CA398751609.

ClinVar aggregate classification (germline): Likely pathogenic. Review status: criteria provided, multiple submitters, no conflicts (2 of 4 stars). 2 submissions from 2 submitters: Likely pathogenic (2). Last evaluated 2026-03-31.

Conditions:
Renal cysts and diabetes syndrome (RCAD). Also called: MATURITY-ONSET DIABETES OF THE YOUNG, TYPE 5; Familial hypoplastic, glomerulocystic kidney. Identifiers: Orphanet 93111, MedGen C0431693, MONDO:0007669, OMIM 137920.

Submissions (2):

GeneDx
Classification: Likely pathogenic. Last evaluated: 2026-03-31. Review status: criteria provided, single submitter. Criteria: GeneDx Variant Classification Process June 2021. Collection method: clinical testing. Allele origin: germline.
Comment: Not observed at significant frequency in large population cohorts (gnomAD); In silico analysis supports that this missense variant has a deleterious effect on protein structure/function; This variant is associated with the following publications: (PMID: 31131422)

Baylor Genetics
Classification: Likely pathogenic for Renal cysts and diabetes syndrome. Last evaluated: 2024-01-25. Review status: criteria provided, single submitter. Criteria: ACMG Guidelines, 2015. Collection method: clinical testing. Allele origin: unknown.